The following is an entry in ClinVar:

NM_033056.4(PCDH15):c.4705_4708dup (p.Ile1570fs)

Gene: PCDH15 (protocadherin related 15; minus strand). Cytogenetic location: 10q21.1.
Variant type: Duplication.
Coding change: c.4705_4708dup on transcript NM_033056.4 (MANE Plus Clinical); coding-DNA positions 4705 to 4708, 4 bases duplicated (AAGA; older notation c.4705_4708dupAAGA).
Protein change: p.Ile1570fs; shifts the reading frame from isoleucine 1570.
Molecular consequence: frameshift variant. On other transcripts: intron variant (8).
Genome position (GRCh38, 1-based): chr10:53,823,018-53,823,021, TCTT duplicated on the plus strand (AAGA on the coding strand, the reverse complement: PCDH15 is on the minus strand); duplicating any 4 consecutive bases within chr10:53,823,018-53,823,022 gives the same sequence; the c. name uses the placement nearest the transcript's 3' end. VCF-style (leftmost placement, unchanged base first): chr10-53823017-A-ATCTT. GRCh37 (hg19) VCF-style: chr10-55582777-A-ATCTT.
Other names: c.4705_4708dupAAGA (NM_033056.3); c.4498_4501dup, p.Ile1501fs (NM_001142765.2); c.4696_4699dup, p.Ile1567fs (NM_001142766.2); c.4585_4588dup, p.Ile1530fs (NM_001142767.2); c.4645_4648dup, p.Ile1550fs (NM_001142768.2); c.4636_4639dup, p.Ile1547fs (NM_001142773.2); c.4639_4642dup, p.Ile1548fs (NM_001354404.2); c.4367+4372_4367+4375dup (NM_001354420.2, NM_001354429.2); and 7 more; short protein forms I1550fs, I1530fs, I1572fs, I1501fs, I1548fs, I1570fs, I1547fs, I1567fs.
Identifiers: ClinVar variation 555074 (VCV000555074.9), dbSNP rs1554820749, ClinGen allele CA658823204.
Genomic context (GRCh38, chr10:53,823,017, plus strand): 5'-TTTGGAACTTTCCTCATCAGCCTCCTGGGTAAGCTGACTGACTGACTCCACAGCCTCTGA[A>ATCTT]TCTTTTCTCTTGGGCCCCTCAGAGACTTACTCTTGGCTTGTATTTTGGGTGAAAATGGGT-3'

ClinVar aggregate classification (germline): Pathogenic. Review status: criteria provided, single submitter (1 of 4 stars). 2 submissions from 2 submitters: Pathogenic (1). 1 of the submissions does not count toward it. Last evaluated 2021-02-10.

Conditions:
Usher syndrome type 1F (USH1F). Also called: USHER SYNDROME, TYPE IF. Identifiers: Orphanet 231169, Orphanet 886, MedGen C1865885, MONDO:0011186, OMIM 602083.

Submissions (2):

Labcorp Genetics (formerly Invitae), Labcorp
Classification: Pathogenic. Last evaluated: 2021-02-10. Review status: criteria provided, single submitter. Criteria: Invitae Variant Classification Sherloc (09022015). Collection method: clinical testing. Allele origin: germline.
Comment: This variant has not been reported in the literature in individuals with PCDH15-related conditions. ClinVar contains an entry for this variant (Variation ID: 555074). This variant disrupts the C-terminus of the PCDH15 protein. Other variant(s) that disrupt this region (p.Q1576* ) have been determined to be pathogenic (PMID: 28281779). This suggests that variants that disrupt this region of the protein are likely to be causative of disease. For these reasons, this variant has been classified as Pathogenic. This variant is not present in population databases (ExAC no frequency). This sequence change creates a premature translational stop signal (p.Ile1570Lysfs*23) in the PCDH15 gene. While this is not anticipated to result in nonsense mediated decay, it is expected to disrupt the last 386 amino acid(s) of the PCDH15 protein.

Counsyl
Classification: Uncertain significance for Usher syndrome type 1F. Last evaluated: 2017-11-13. Review status: no assertion criteria provided. Collection method: clinical testing. Allele origin: unknown. Not counted in ClinVar's aggregate classification.

Literature cited by the submitters: PubMed 28281779 (cited by Labcorp Genetics (formerly Invitae), Labcorp).